The following is an entry in ClinVar:

NM_001267550.2(TTN):c.104379G>C (p.Met34793Ile)

Genes: TTN-AS1 (TTN antisense RNA 1; plus strand), TTN (titin; minus strand). Cytogenetic location: 2q31.2.
Variant type: single nucleotide variant.
Coding change: c.104379G>C on transcript NM_001267550.2 (MANE Select); coding-DNA position 104379, G replaced by C.
Protein change: p.Met34793Ile; replaces methionine 34793 with isoleucine.
Molecular consequence: missense variant.
Genome position (GRCh38, 1-based): chr2:178,532,236, C>G on the plus strand (G>C on the coding strand, the complement: TTN is on the minus strand). VCF-style: chr2-178532236-C-G. GRCh37 (hg19) VCF-style: chr2-179396963-C-G.
Other names: c.99456G>C, p.Met33152Ile (NM_001256850.1); c.77184G>C, p.Met25728Ile (NM_003319.4); c.96675G>C, p.Met32225Ile (NM_133378.4); c.77559G>C, p.Met25853Ile (NM_133432.3); c.77760G>C, p.Met25920Ile (NM_133437.4); short protein forms M25728I, M25853I, M25920I, M32225I, M33152I, M34793I.
Identifiers: ClinVar variation 3759979 (VCV003759979.2).

ClinVar aggregate classification (germline): Uncertain significance (1 of 4 stars; one submission).

Conditions:
Dilated cardiomyopathy 1G (CMD1G). Identifiers: Orphanet 154, MedGen C1858763, MONDO:0011400, OMIM 604145.
Autosomal recessive limb-girdle muscular dystrophy type 2J (LGMDR10). Also called: Limb-girdle muscular dystrophy, type 2J; MUSCULAR DYSTROPHY, LIMB-GIRDLE, AUTOSOMAL RECESSIVE 10. Identifiers: Orphanet 140922, MedGen C1837342, MONDO:0012127, OMIM 608807.

Submission:

Labcorp Genetics (formerly Invitae), Labcorp
Classification: Uncertain significance for Dilated cardiomyopathy 1G; Autosomal recessive limb-girdle muscular dystrophy type 2J. Last evaluated: 2024-12-05. Review status: criteria provided, single submitter. Criteria: Invitae Variant Classification Sherloc (09022015). Collection method: clinical testing. Allele origin: germline.
Comment: This sequence change replaces methionine, which is neutral and non-polar, with isoleucine, which is neutral and non-polar, at codon 34793 of the TTN protein (p.Met34793Ile). This variant is not present in population databases (gnomAD no frequency). This variant has not been reported in the literature in individuals affected with TTN-related conditions. An algorithm developed to predict the effect of missense changes on protein structure and function outputs the following: PolyPhen-2: "Not Available". The isoleucine amino acid residue is found in multiple mammalian species, which suggests that this missense change does not adversely affect protein function. This variant is located in the M band of TTN (PMID: 25589632). Non-truncating variants in this region may be relevant for neuromuscular disorders, but have not been definitively shown to cause cardiomyopathy (PMID: 23975875). In summary, the available evidence is currently insufficient to determine the role of this variant in disease. Therefore, it has been classified as a Variant of Uncertain Significance.

Literature cited by the submitters: PubMed 25589632; PubMed 23975875.